The following is an entry in ClinVar:

NM_022725.4(FANCF):c.194A>C (p.Gln65Pro)

Gene: FANCF (FA complementation group F; minus strand). Cytogenetic location: 11p14.3.
Variant type: single nucleotide variant.
Coding change: c.194A>C on transcript NM_022725.4 (MANE Select); coding-DNA position 194, A replaced by C.
Protein change: p.Gln65Pro; replaces glutamine 65 with proline.
Molecular consequence: missense variant.
Genome position (GRCh38, 1-based): chr11:22,625,617, T>G on the plus strand (A>C on the coding strand, the complement: FANCF is on the minus strand). VCF-style: chr11-22625617-T-G. GRCh37 (hg19) VCF-style: chr11-22647163-T-G.
Other names: short protein forms Q65P.
Identifiers: ClinVar variation 1906542 (VCV001906542.5), dbSNP rs767858278, ClinGen allele CA5924405.

ClinVar aggregate classification (germline): Uncertain significance (1 of 4 stars; one submission).

Conditions:
Fanconi anemia (FA). Also called: Fanconi's anemia. Identifiers: Orphanet 84, MedGen C0015625, MeSH D005199, MONDO:0019391.

Allele frequency attached by ClinVar (database versions not stated): gnomAD exomes below 0.00001; ExAC 0.00001.
gnomAD v4.1: 2 of 1,613,620 alleles (0.00012%); highest among the groups gnomAD compares: Admixed American, 0.0017%; no homozygotes.

Submission:

Labcorp Genetics (formerly Invitae), Labcorp
Classification: Uncertain significance for Fanconi anemia. Last evaluated: 2022-04-16. Review status: criteria provided, single submitter. Criteria: Invitae Variant Classification Sherloc (09022015). Collection method: clinical testing. Allele origin: germline.
Comment: This sequence change replaces glutamine, which is neutral and polar, with proline, which is neutral and non-polar, at codon 65 of the FANCF protein (p.Gln65Pro). This variant is present in population databases (rs767858278, gnomAD 0.003%). This variant has not been reported in the literature in individuals affected with FANCF-related conditions. Algorithms developed to predict the effect of missense changes on protein structure and function (SIFT, PolyPhen-2, Align-GVGD) all suggest that this variant is likely to be tolerated. In summary, the available evidence is currently insufficient to determine the role of this variant in disease. Therefore, it has been classified as a Variant of Uncertain Significance.